The following is an entry in ClinVar:

NM_012330.4(KAT6B):c.129T>A (p.Asp43Glu)

Gene: KAT6B (lysine acetyltransferase 6B; plus strand). Cytogenetic location: 10q22.2.
Variant type: single nucleotide variant.
Coding change: c.129T>A on transcript NM_012330.4 (MANE Select); coding-DNA position 129, T replaced by A.
Protein change: p.Asp43Glu; replaces aspartic acid 43 with glutamic acid.
Molecular consequence: missense variant. On other transcripts: 5 prime UTR variant (2).
Genome position (GRCh38, 1-based): chr10:74,842,986, T>A. VCF-style: chr10-74842986-T-A. GRCh37 (hg19) VCF-style: chr10-76602744-T-A.
Other names: c.129T>A, p.Asp43Glu (NM_001256468.2, NM_001256469.2, NM_001370132.1 and 10 more transcripts); c.-410T>A (NM_001370134.1, NM_001370135.1); short protein forms D43E.
Identifiers: ClinVar variation 4742308 (VCV004742308.1).

ClinVar aggregate classification (germline): Uncertain significance (1 of 4 stars; one submission).

Conditions:
Genitopatellar syndrome (GTPTS). Also called: ABSENT PATELLAE, SCROTAL HYPOPLASIA, RENAL ANOMALIES, FACIAL DYSMORPHISM, AND MENTAL RETARDATION; Genitopatellar syndrome (GPS). Identifiers: Orphanet 85201, MedGen C1853566, MONDO:0011640, OMIM 606170.

gnomAD v4.1: 14 of 1,614,074 alleles (0.00087%); highest among the groups gnomAD compares: Non-Finnish European, 0.0012%; no homozygotes.

Submission:

Labcorp Genetics (formerly Invitae), Labcorp
Classification: Uncertain significance for Genitopatellar syndrome. Last evaluated: 2026-01-12. Review status: criteria provided, single submitter. Criteria: Invitae Variant Classification Sherloc (09022015). Collection method: clinical testing. Allele origin: germline.
Comment: This sequence change replaces aspartic acid, which is acidic and polar, with glutamic acid, which is acidic and polar, at codon 43 of the KAT6B protein (p.Asp43Glu). This variant is present in population databases (no rsID available, gnomAD 0.002%). This variant has not been reported in the literature in individuals affected with KAT6B-related conditions. Invitae Evidence Modeling of protein sequence and biophysical properties (such as structural, functional, and spatial information, amino acid conservation, physicochemical variation, residue mobility, and thermodynamic stability) indicates that this missense variant is not expected to disrupt KAT6B protein function with a negative predictive value of 80%. In summary, the available evidence is currently insufficient to determine the role of this variant in disease. Therefore, it has been classified as a Variant of Uncertain Significance.